The following is an entry in ClinVar:

NM_198253.3(TERT):c.1122_1134del (p.Thr375fs)

Gene: TERT (telomerase reverse transcriptase; minus strand). Cytogenetic location: 5p15.33.
Variant type: Deletion.
Coding change: c.1122_1134del on transcript NM_198253.3 (MANE Select); coding-DNA positions 1122 to 1134, 13 bases deleted (GACTCCCCGCAGG).
Protein change: p.Thr375fs; shifts the reading frame from threonine 375.
Molecular consequence: frameshift variant. On other transcripts: non-coding transcript variant (2).
Genome position (GRCh38, 1-based): chr5:1,293,752-1,293,764, CCTGCGGGGAGTC deleted on the plus strand (GACTCCCCGCAGG on the coding strand, the reverse complement: TERT is on the minus strand); deleting any 13 consecutive bases within chr5:1,293,752-1,293,768 gives the same sequence; the c. name uses the placement nearest the transcript's 3' end. VCF-style (leftmost placement, unchanged base first): chr5-1293751-ACCTGCGGGGAGTC-A. GRCh37 (hg19) VCF-style: chr5-1293866-ACCTGCGGGGAGTC-A.
Other names: c.1122_1134del, p.Thr375fs (NM_001193376.3); short protein forms T375fs.
Identifiers: ClinVar variation 973897 (VCV000973897.2), dbSNP rs1751159700, ClinGen allele CA1139655863.

ClinVar aggregate classification (germline): Pathogenic. Review status: criteria provided, multiple submitters, no conflicts (2 of 4 stars). 2 submissions from 2 submitters: Pathogenic (2). Last evaluated 2026-01-04.

Conditions:
Dyskeratosis congenita, autosomal dominant 2. Identifiers: MedGen C3151443, MONDO:0013521, OMIM 613989.
Idiopathic Pulmonary Fibrosis. Also called: Idiopathic fibrosing alveolitis, chronic form; idiopathic fibrosing alveolitis. Identifiers: Orphanet 2032, MedGen C1800706, MeSH D054990, MONDO:0800504.

Submissions (2):

Labcorp Genetics (formerly Invitae), Labcorp
Classification: Pathogenic for Dyskeratosis congenita, autosomal dominant 2; Idiopathic Pulmonary Fibrosis. Last evaluated: 2026-01-04. Review status: criteria provided, single submitter. Criteria: Invitae Variant Classification Sherloc (09022015). Collection method: clinical testing. Allele origin: germline.
Comment: This sequence change creates a premature translational stop signal (p.Thr375Cysfs*130) in the TERT gene. It is expected to result in an absent or disrupted protein product. Loss-of-function variants in TERT are known to be pathogenic (PMID: 16247010, 17460043). This variant is not present in population databases (gnomAD no frequency). This variant has not been reported in the literature in individuals affected with TERT-related conditions. ClinVar contains an entry for this variant (Variation ID: 973897). For these reasons, this variant has been classified as Pathogenic.

Johns Hopkins Genomics, Johns Hopkins University
Classification: Pathogenic for Dyskeratosis congenita, autosomal dominant 2. Last evaluated: 2020-02-27. Review status: criteria provided, single submitter. Criteria: ACMG Guidelines, 2015. Collection method: clinical testing. Allele origin: germline.
Comment: This TERT variant is absent from large population datasets and has not been reported in the literature, to our knowledge. This frameshift variant results in a premature stop codon in exon 2 of 16, likely leading to nonsense-mediated decay and lack of protein production. We consider this variant to be pathogenic.

Literature cited by the submitters: PubMed 16247010 (cited by Labcorp Genetics (formerly Invitae), Labcorp); PubMed 17460043 (cited by Labcorp Genetics (formerly Invitae), Labcorp).